The following is an entry in ClinVar:

ClinVar aggregate classification (germline): Likely pathogenic (1 of 4 stars; one submission).

Submission:

Laboratorio de Genetica e Diagnostico Molecular, Hospital Israelita Albert Einstein
Classification: Likely pathogenic. Last evaluated: 2021-08-10. Review status: criteria provided, single submitter. Criteria: ACMG Guidelines, 2015. Collection method: clinical testing. Allele origin: germline. Affected: yes.
Comment: ACMG classification criteria: PVS1, PM2

NM_000969.5(RPL5):c.110_111dup (p.Ile38Ter)

Genes: DIPK1A (divergent protein kinase domain 1A; minus strand), RPL5 (ribosomal protein L5; plus strand). Cytogenetic location: 1p22.1.
Variant type: Duplication.
Coding change: c.110_111dup on transcript NM_000969.5 (MANE Select); coding-DNA positions 110 to 111, 2 bases duplicated (TG; older notation c.110_111dupTG).
Protein change: p.Ile38Ter; replaces isoleucine 38 with a stop codon.
Molecular consequence: nonsense. On other transcripts: non-coding transcript variant (1), intron variant (1).
Genome position (GRCh38, 1-based): chr1:92,833,581-92,833,582, TG duplicated; duplicating any 2 consecutive bases within chr1:92,833,580-92,833,582 gives the same sequence; the c. name uses the placement nearest the transcript's 3' end. VCF-style (leftmost placement, unchanged base first): chr1-92833579-G-GGT. GRCh37 (hg19) VCF-style: chr1-93299136-G-GGT.
Other names: c.475-547_475-546dup (NM_001252273.2); short protein forms I38*.
Identifiers: ClinVar variation 1690417 (VCV001690417.2), dbSNP rs2100676956, ClinGen allele CA2573132080.